The following is an entry in ClinVar:

NM_005956.4(MTHFD1):c.1033G>A (p.Val345Ile)

Gene: MTHFD1 (methylenetetrahydrofolate dehydrogenase, cyclohydrolase and formyltetrahydrofolate synthetase 1; plus strand). Cytogenetic location: 14q23.3.
Variant type: single nucleotide variant.
Coding change: c.1033G>A on transcript NM_005956.4 (MANE Select); coding-DNA position 1033, G replaced by A.
Protein change: p.Val345Ile; replaces valine 345 with isoleucine.
Molecular consequence: missense variant.
Genome position (GRCh38, 1-based): chr14:64,426,098, G>A. VCF-style: chr14-64426098-G-A. GRCh37 (hg19) VCF-style: chr14-64892816-G-A.
Other names: c.1033G>A, p.Val345Ile (NM_001364837.1); short protein forms V345I.
Identifiers: ClinVar variation 1370334 (VCV001370334.5), dbSNP rs143413657, ClinGen allele CA7226105.

ClinVar aggregate classification (germline): Uncertain significance (1 of 4 stars; one submission).

Allele frequency attached by ClinVar (database versions not stated): gnomAD exomes 0.00007 and 0.00016; 1000 Genomes Project 30x 0.00016; ExAC 0.00016; 1000 Genomes Project 0.00020; gnomAD 0.00050 and 0.00054; ESP Exome Variant Server 0.00069; TOPMed 0.00070.
gnomAD v4.1: 181 of 1,614,104 alleles (0.011%); highest among the groups gnomAD compares: African/African-American, 0.22%; no homozygotes.

Submission:

Labcorp Genetics (formerly Invitae), Labcorp
Classification: Uncertain significance. Last evaluated: 2022-08-19. Review status: criteria provided, single submitter. Criteria: Invitae Variant Classification Sherloc (09022015). Collection method: clinical testing. Allele origin: germline.
Comment: This sequence change replaces valine, which is neutral and non-polar, with isoleucine, which is neutral and non-polar, at codon 345 of the MTHFD1 protein (p.Val345Ile). This variant is present in population databases (rs143413657, gnomAD 0.2%). This variant has not been reported in the literature in individuals affected with MTHFD1-related conditions. ClinVar contains an entry for this variant (Variation ID: 1370334). Algorithms developed to predict the effect of missense changes on protein structure and function output the following: SIFT: "Tolerated"; PolyPhen-2: "Benign"; Align-GVGD: "Class C0". The isoleucine amino acid residue is found in multiple mammalian species, which suggests that this missense change does not adversely affect protein function. In summary, the available evidence is currently insufficient to determine the role of this variant in disease. Therefore, it has been classified as a Variant of Uncertain Significance.